The following is an entry in ClinVar:

NM_017999.5(RNF31):c.193C>T (p.Pro65Ser)

Gene: RNF31 (ring finger protein 31; plus strand). Cytogenetic location: 14q12.
Variant type: single nucleotide variant.
Coding change: c.193C>T on transcript NM_017999.5 (MANE Select); coding-DNA position 193, C replaced by T.
Protein change: p.Pro65Ser; replaces proline 65 with serine.
Molecular consequence: missense variant. On other transcripts: 5 prime UTR variant (1).
Genome position (GRCh38, 1-based): chr14:24,147,976, C>T. VCF-style: chr14-24147976-C-T. GRCh37 (hg19) VCF-style: chr14-24617185-C-T.
Other names: c.-325C>T (NM_001310332.2); c.193C>T (NM_017999.4); short protein forms P65S.
Identifiers: ClinVar variation 1439013 (VCV001439013.9), dbSNP rs1390758203, ClinGen allele CA389285002.

ClinVar aggregate classification (germline): Uncertain significance. Review status: criteria provided, multiple submitters, no conflicts (2 of 4 stars). 2 submissions from 2 submitters: Uncertain significance (2). Last evaluated 2025-03-18.

Allele frequency attached by ClinVar (database versions not stated): gnomAD exomes below 0.00001; gnomAD 0.00001; TOPMed 0.00001.

Submissions (2):

Labcorp Genetics (formerly Invitae), Labcorp
Classification: Uncertain significance. Last evaluated: 2025-03-18. Review status: criteria provided, single submitter. Criteria: Invitae Variant Classification Sherloc (09022015). Collection method: clinical testing. Allele origin: germline.
Comment: This sequence change replaces proline, which is neutral and non-polar, with serine, which is neutral and polar, at codon 65 of the RNF31 protein (p.Pro65Ser). This variant is present in population databases (no rsID available, gnomAD 0.006%). This variant has not been reported in the literature in individuals affected with RNF31-related conditions. ClinVar contains an entry for this variant (Variation ID: 1439013). An algorithm developed to predict the effect of missense changes on protein structure and function (PolyPhen-2) suggests that this variant is likely to be tolerated. In summary, the available evidence is currently insufficient to determine the role of this variant in disease. Therefore, it has been classified as a Variant of Uncertain Significance.

Ambry Genetics
Classification: Uncertain significance. Last evaluated: 2021-10-12. Review status: criteria provided, single submitter. Criteria: Ambry Variant Classification Scheme 2023. Collection method: clinical testing. Allele origin: germline.